The following is an entry in ClinVar:

NM_024642.5(GALNT12):c.1338C>T (p.Phe446=)

Gene: GALNT12 (polypeptide N-acetylgalactosaminyltransferase 12; plus strand). Cytogenetic location: 9q22.33.
Variant type: single nucleotide variant.
Coding change: c.1338C>T on transcript NM_024642.5 (MANE Select); coding-DNA position 1338, C replaced by T.
Protein change: p.Phe446=; no amino-acid change (phenylalanine 446 retained).
Molecular consequence: synonymous variant.
Genome position (GRCh38, 1-based): chr9:98,840,127, C>T. VCF-style: chr9-98840127-C-T. GRCh37 (hg19) VCF-style: chr9-101602409-C-T.
Identifiers: ClinVar variation 485668 (VCV000485668.9), dbSNP rs200788044, ClinGen allele CA466425163.

ClinVar aggregate classification (germline): Benign/Likely benign. Review status: criteria provided, multiple submitters, no conflicts (2 of 4 stars). 3 submissions from 3 submitters: Benign (1); Likely benign (2). Last evaluated 2026-04-27.

Conditions:
Colorectal cancer, susceptibility to, 1. Also called: COLORECTAL ADENOMA AND CANCER, SUSCEPTIBILITY TO; COLORECTAL CANCER, SUSCEPTIBILITY TO, ON CHROMOSOME 9. Identifiers: MedGen C1837315, MONDO:0012132, OMIM 608812.

Allele frequency attached by ClinVar (database versions not stated): gnomAD 0.00002; TOPMed 0.00004.
gnomAD v4.1: 16 of 1,613,306 alleles (0.00099%); highest among the groups gnomAD compares: East Asian, 0.0022%; no homozygotes.

Submissions (3):

Myriad Genetics, Inc.
Classification: Benign for Colorectal cancer, susceptibility to, 1. Last evaluated: 2026-04-27. Review status: criteria provided, single submitter. Criteria: Myriad Autosomal Dominant, Autosomal Recessive and X-Linked Classification Criteria (2023). Collection method: clinical testing. Allele origin: unknown.
Comment: This variant is considered benign. This variant is a silent/synonymous amino acid change and it is not expected to impact splicing.

Labcorp Genetics (formerly Invitae), Labcorp
Classification: Likely benign. Last evaluated: 2025-08-09. Review status: criteria provided, single submitter. Criteria: Invitae Variant Classification Sherloc (09022015). Collection method: clinical testing. Allele origin: germline.

Ambry Genetics
Classification: Likely benign. Last evaluated: 2017-05-06. Review status: criteria provided, single submitter. Criteria: Ambry Variant Classification Scheme 2023. Collection method: clinical testing. Allele origin: germline.